The following is an entry in ClinVar:

NM_001017975.6(HFM1):c.2218G>T (p.Gly740Ter)

Gene: HFM1 (helicase for meiosis 1; minus strand). Cytogenetic location: 1p22.2.
Variant type: single nucleotide variant.
Coding change: c.2218G>T on transcript NM_001017975.6 (MANE Select); coding-DNA position 2218, G replaced by T.
Protein change: p.Gly740Ter; replaces glycine 740 with a stop codon.
Molecular consequence: nonsense. On other transcripts: non-coding transcript variant (1).
Genome position (GRCh38, 1-based): chr1:91,347,465, C>A on the plus strand (G>T on the coding strand, the complement: HFM1 is on the minus strand). VCF-style: chr1-91347465-C-A. GRCh37 (hg19) VCF-style: chr1-91813022-C-A.
Other names: short protein forms G740*.
Identifiers: ClinVar variation 4850232 (VCV004850232.1).

ClinVar aggregate classification (germline): Likely pathogenic (1 of 4 stars; one submission).

Conditions:
Premature ovarian failure 9 (POF9). Identifiers: MedGen C3810376, MONDO:0014322, OMIM 615724.

gnomAD v4.1: 23 of 1,586,368 alleles (0.0014%); highest among the groups gnomAD compares: Non-Finnish European, 0.0018%; no homozygotes.

Submission:

First Genomix Gene Laboratory, Genetic Diagnostics Department
Classification: Likely pathogenic for Premature ovarian failure 9. Last evaluated: 2025-08-26. Review status: criteria provided, single submitter. Criteria: ACMG Guidelines, 2015. Collection method: clinical testing. Allele origin: germline. Inheritance: Autosomal recessive inheritance. Affected: no. Observed: 1 variant allele.